The following is an entry in ClinVar:

NM_032043.3(BRIP1):c.447T>A (p.Asp149Glu)

Gene: BRIP1 (BRCA1 interacting DNA helicase 1; minus strand). Cytogenetic location: 17q23.2.
Variant type: single nucleotide variant.
Coding change: c.447T>A on transcript NM_032043.3 (MANE Select); coding-DNA position 447, T replaced by A.
Protein change: p.Asp149Glu; replaces aspartic acid 149 with glutamic acid.
Molecular consequence: missense variant.
Genome position (GRCh38, 1-based): chr17:61,849,189, A>T on the plus strand (T>A on the coding strand, the complement: BRIP1 is on the minus strand). VCF-style: chr17-61849189-A-T. GRCh37 (hg19) VCF-style: chr17-59926550-A-T.
Other names: short protein forms D149E.
Identifiers: ClinVar variation 2954485 (VCV002954485.3), dbSNP rs2145763808, ClinGen allele CA400484477.
Genomic context (GRCh38, chr17:61,849,189, plus strand): 5'-CTGCTGTGTAGTTTCTAAGGGTCGAATTCTTTTCTTCTCTACTTGAAAATCATCATTTTC[A>T]TCTCTGTATATGGATGCCTGTTTCTTAGCAGATAACTTTGCAGCCAGAGTGGTTTTTTCA-3'
Protein context (NP_114432.2, residues 139-159): SAKKQASIYR[Asp149Glu]ENDDFQVEKK

ClinVar aggregate classification (germline): Uncertain significance (1 of 4 stars; one submission).

Conditions:
Familial cancer of breast. Also called: BREAST CANCER, FAMILIAL; hereditary breast carcinoma; Hereditary breast cancer. Identifiers: Orphanet 227535, MedGen C0346153, MONDO:0016419, OMIM 114480. Disease mechanism: loss of function.
Fanconi anemia complementation group J. Also called: BRIP1-Related Fanconi Anemia. Identifiers: Orphanet 84, MedGen C1836860, MONDO:0012187, OMIM 609054.

Allele frequency attached by ClinVar (database versions not stated): gnomAD exomes below 0.00001.
gnomAD v4.1: 2 of 1,613,304 alleles (0.00012%); highest among the groups gnomAD compares: Non-Finnish European, 0.00017%; no homozygotes.

Submission:

Labcorp Genetics (formerly Invitae), Labcorp
Classification: Uncertain significance for Familial cancer of breast; Fanconi anemia complementation group J. Last evaluated: 2023-12-08. Review status: criteria provided, single submitter. Criteria: Invitae Variant Classification Sherloc (09022015). Collection method: clinical testing. Allele origin: germline.
Comment: This sequence change replaces aspartic acid, which is acidic and polar, with glutamic acid, which is acidic and polar, at codon 149 of the BRIP1 protein (p.Asp149Glu). This variant is not present in population databases (gnomAD no frequency). This variant has not been reported in the literature in individuals affected with BRIP1-related conditions. Advanced modeling of protein sequence and biophysical properties (such as structural, functional, and spatial information, amino acid conservation, physicochemical variation, residue mobility, and thermodynamic stability) performed at Invitae indicates that this missense variant is not expected to disrupt BRIP1 protein function with a negative predictive value of 80%. In summary, the available evidence is currently insufficient to determine the role of this variant in disease. Therefore, it has been classified as a Variant of Uncertain Significance.